The following is an entry in ClinVar:

ClinVar aggregate classification (germline): Likely benign. Review status: criteria provided, multiple submitters, no conflicts (2 of 4 stars). 4 submissions from 4 submitters: Likely benign (3). 1 of the submissions does not count toward it. Last evaluated 2025-12-24.

Conditions:
IL6R-related disorder. Also called: IL6R-related condition.

Allele frequency attached by ClinVar (database versions not stated): gnomAD exomes 0.00007 and 0.00014; ExAC 0.00017; gnomAD 0.00046 and 0.00048; TOPMed 0.00059; ESP Exome Variant Server 0.00085.
gnomAD v4.1: 168 of 1,592,596 alleles (0.011%); highest among the groups gnomAD compares: African/African-American, 0.21%; no homozygotes.

Submissions (4):

Labcorp Genetics (formerly Invitae), Labcorp
Classification: Likely benign. Last evaluated: 2025-12-24. Review status: criteria provided, single submitter. Criteria: Invitae Variant Classification Sherloc (09022015). Collection method: clinical testing. Allele origin: germline.

Mayo Clinic Laboratories, Mayo Clinic
Classification: Likely benign. Last evaluated: 2025-09-24. Review status: criteria provided, single submitter. Criteria: ACMG Guidelines, 2015. Collection method: clinical testing. Allele origin: germline. Observed: 1 variant allele.
Comment: BP4, BP7

Blueprint Genetics
Classification: Likely benign. Last evaluated: 2024-07-15. Review status: criteria provided, single submitter. Criteria: ACMG Guidelines, 2015. Collection method: clinical testing. Allele origin: germline.

PreventionGenetics, part of Exact Sciences
Classification: Likely benign for IL6R-related condition. Last evaluated: 2019-03-12. Review status: no assertion criteria provided. Collection method: clinical testing. Allele origin: germline. Not counted in ClinVar's aggregate classification.
Comment: This variant is classified as likely benign based on ACMG/AMP sequence variant interpretation guidelines (Richards et al. 2015 PMID: 25741868, with internal and published modifications).

NM_000565.4(IL6R):c.808-8G>A

Gene: IL6R (interleukin 6 receptor; plus strand). Cytogenetic location: 1q21.3.
Variant type: single nucleotide variant.
Coding change: c.808-8G>A on transcript NM_000565.4 (MANE Select); 8 bases into the intron before coding-DNA position 808, G replaced by A.
Molecular consequence: intron variant.
Genome position (GRCh38, 1-based): chr1:154,435,961, G>A. VCF-style: chr1-154435961-G-A. GRCh37 (hg19) VCF-style: chr1-154408437-G-A.
Other names: p.?; c.808-8G>A (NM_001382771.1, NM_001382773.1, NM_001382770.1 and 4 more transcripts); c.808-14G>A (NM_001382772.1); c.448-8G>A (NM_001382774.1).
Identifiers: ClinVar variation 1549725 (VCV001549725.12), dbSNP rs370440294, ClinGen allele CA1129136.